The following is an entry in ClinVar:

ClinVar aggregate classification (germline): Uncertain significance (1 of 4 stars; one submission).

Submission:

Labcorp Genetics (formerly Invitae), Labcorp
Classification: Uncertain significance. Last evaluated: 2023-09-01. Review status: criteria provided, single submitter. Criteria: Invitae Variant Classification Sherloc (09022015). Collection method: clinical testing. Allele origin: germline.
Comment: This variant has not been reported in the literature in individuals affected with ALPK3-related conditions. In summary, the available evidence is currently insufficient to determine the role of this variant in disease. Therefore, it has been classified as a Variant of Uncertain Significance. An algorithm developed to predict the effect of missense changes on protein structure and function (PolyPhen-2) suggests that this variant is likely to be tolerated. This variant is not present in population databases (gnomAD no frequency). This sequence change replaces valine, which is neutral and non-polar, with glutamic acid, which is acidic and polar, at codon 930 of the ALPK3 protein (p.Val930Glu).

NM_020778.5(ALPK3):c.2183T>A (p.Val728Glu)

Gene: ALPK3 (alpha kinase 3; plus strand). Cytogenetic location: 15q25.3.
Variant type: single nucleotide variant.
Coding change: c.2183T>A on transcript NM_020778.5 (MANE Select); coding-DNA position 2183, T replaced by A.
Protein change: p.Val728Glu; replaces valine 728 with glutamic acid.
Molecular consequence: missense variant.
Genome position (GRCh38, 1-based): chr15:84,856,921, T>A. VCF-style: chr15-84856921-T-A. GRCh37 (hg19) VCF-style: chr15-85400152-T-A.
Other names: short protein forms V728E.
Identifiers: ClinVar variation 2757186 (VCV002757186.3), dbSNP rs1963869043, ClinGen allele CA393356252.